The following is an entry in ClinVar:

ClinVar aggregate classification (germline): Uncertain significance. Review status: criteria provided, multiple submitters, no conflicts (2 of 4 stars). 3 submissions from 3 submitters: Uncertain significance (3). Last evaluated 2026-10-06.

Submissions (3):

GeneDx
Classification: Uncertain significance. Last evaluated: 2026-10-06. Review status: criteria provided, single submitter. Criteria: GeneDx Variant Classification Process June 2021. Collection method: clinical testing. Allele origin: germline.
Comment: Reported using alternative nomenclature in a patient with congenital hearing loss in published literature (PMID: 34335733); Frameshift variant predicted to result in abnormal protein length as the last 12 amino acid(s) are replaced with 2 different amino acid(s); Variants in candidate genes are classified as variants of uncertain significance in accordance with ACMG guidelines (PMID: 25741868); This variant is associated with the following publications: (PMID: 34335733)

Women's Health and Genetics/Laboratory Corporation of America, LabCorp
Classification: Uncertain significance. Last evaluated: 2025-09-10. Review status: criteria provided, single submitter. Criteria: LabCorp Variant Classification Summary - May 2015. Collection method: clinical testing. Allele origin: germline.
Comment: Variant summary: DIAPH3 c.3543dupC (p.Glu1182ArgfsX3) results in a premature termination codon, predicted to cause a truncation of the encoded protein, however, nonsense mediated decay is not expected to occur. Additionally, current evidence is not sufficient to establish loss of function as a mechanism for disease. The variant allele was found at a frequency of 8e-05 in 249472 control chromosomes. This frequency is not significantly higher than estimated for disease-causing variants in DIAPH3, allowing no conclusion about variant significance. c.3543dupC has been observed in at least one individual affected with congenital hearing loss (e.g. Xie_2021). These report(s) do not provide unequivocal conclusions about association of the variant with Autosomal Dominant Auditory Neuropathy 1. To our knowledge, no experimental evidence demonstrating an impact on protein function has been reported. The following publication has been ascertained in the context of this evaluation (PMID: 34335733). ClinVar contains an entry for this variant (Variation ID: 504360). Based on the evidence outlined above, the variant was classified as uncertain significance.

Labcorp Genetics (formerly Invitae), Labcorp
Classification: Uncertain significance. Last evaluated: 2025-01-06. Review status: criteria provided, single submitter. Criteria: Invitae Variant Classification Sherloc (09022015). Collection method: clinical testing. Allele origin: germline.
Comment: This sequence change creates a premature translational stop signal (p.Glu1182Argfs*3) in the DIAPH3 gene. While this is not anticipated to result in nonsense mediated decay, it is expected to disrupt the last 12 amino acid(s) of the DIAPH3 protein. This variant is present in population databases (rs756660986, gnomAD 0.1%), and has an allele count higher than expected for a pathogenic variant. This variant has not been reported in the literature in individuals affected with DIAPH3-related conditions. ClinVar contains an entry for this variant (Variation ID: 504360). Experimental studies and prediction algorithms are not available or were not evaluated, and the functional significance of this variant is currently unknown. In summary, the available evidence is currently insufficient to determine the role of this variant in disease. Therefore, it has been classified as a Variant of Uncertain Significance.

Literature cited by the submitters: PubMed 34335733 (cited by Women's Health and Genetics/Laboratory Corporation of America, LabCorp).

NM_001042517.2(DIAPH3):c.3543dup (p.Glu1182fs)

Gene: DIAPH3 (diaphanous related formin 3; minus strand). Cytogenetic location: 13q21.2.
Variant type: Duplication.
Coding change: c.3543dup on transcript NM_001042517.2 (MANE Select); coding-DNA position 3543, one base duplicated (C; older notation c.3543dupC).
Protein change: p.Glu1182fs; shifts the reading frame from glutamic acid 1182.
Molecular consequence: frameshift variant.
Genome position (GRCh38, 1-based): chr13:59,666,623, G duplicated on the plus strand (C on the coding strand, the reverse complement: DIAPH3 is on the minus strand); the first of 3 consecutive G bases (chr13:59,666,623-59,666,625); duplicating any one gives the same sequence. VCF-style (leftmost placement, unchanged base first): chr13-59666622-C-CG. GRCh37 (hg19) VCF-style: chr13-60240756-C-CG.
Other names: c.3543dupC (NM_001042517.1, NM_001042517.2); c.3510dup, p.Glu1171fs (NM_001258366.2); c.3405dup, p.Glu1136fs (NM_001258367.2); c.3333dup, p.Glu1112fs (NM_001258368.2); c.3543dup (NM_001042517.1); short protein forms E1136fs, E1171fs, E1182fs, E1112fs.
Identifiers: ClinVar variation 504360 (VCV000504360.9), dbSNP rs756660986, ClinGen allele CA6996002.